The following is an entry in ClinVar:

NM_206926.2(SELENON):c.301+5C>T

Gene: SELENON (selenoprotein N; plus strand). Cytogenetic location: 1p36.11.
Variant type: single nucleotide variant.
Coding change: c.301+5C>T on transcript NM_206926.2 (MANE Select); 5 bases into the intron after coding-DNA position 301, C replaced by T.
Molecular consequence: intron variant.
Genome position (GRCh38, 1-based): chr1:25,801,165, C>T. VCF-style: chr1-25801165-C-T. GRCh37 (hg19) VCF-style: chr1-26127656-C-T.
Other names: c.301+5C>T (NM_020451.3).
Identifiers: ClinVar variation 1984233 (VCV001984233.4), dbSNP rs1486849557, ClinGen allele CA734435279.
Genomic context (GRCh38, chr1:25,801,165, plus strand): 5'-CGGGGATATGTACATCAGCCCTGAGGAGTTCAAACCCATTGCTGAGAAGCTAACAGGTAC[C>T]AGGAGAGACTGGCGGCTGGGGAGGAGGGCGCCTTGGCCAACGGTGTCTTCACTGAGCAGG-3'

ClinVar aggregate classification (germline): Uncertain significance (1 of 4 stars; one submission).

Conditions:
Eichsfeld type congenital muscular dystrophy (CMYO3). Also called: MYOPATHY, SEPN1-RELATED; Rigid spine muscular dystrophy 1; SELENON-related myopathy; Congenital myopathy 3 with rigid spine. Identifiers: MedGen C0410180, MONDO:0100100, OMIM 602771.

Allele frequency attached by ClinVar (database versions not stated): TOPMed below 0.00001; gnomAD 0.00003.

Submission:

Labcorp Genetics (formerly Invitae), Labcorp
Classification: Uncertain significance for Eichsfeld type congenital muscular dystrophy. Last evaluated: 2021-12-27. Review status: criteria provided, single submitter. Criteria: Invitae Variant Classification Sherloc (09022015). Collection method: clinical testing. Allele origin: germline.
Comment: This variant has not been reported in the literature in individuals affected with SELENON-related conditions. This sequence change falls in intron 2 of the SELENON gene. It does not directly change the encoded amino acid sequence of the SELENON protein. It affects a nucleotide within the consensus splice site. This variant is not present in population databases (gnomAD no frequency). Variants that disrupt the consensus splice site are a relatively common cause of aberrant splicing (PMID: 17576681, 9536098). Algorithms developed to predict the effect of sequence changes on RNA splicing suggest that this variant is not likely to affect RNA splicing. In summary, the available evidence is currently insufficient to determine the role of this variant in disease. Therefore, it has been classified as a Variant of Uncertain Significance.

Literature cited by the submitters: PubMed 17576681; PubMed 9536098.